The following is an entry in ClinVar:

ClinVar aggregate classification (germline): Uncertain significance (1 of 4 stars; one submission).

Allele frequency attached by ClinVar (database versions not stated): gnomAD exomes below 0.00001.
gnomAD v4.1: 2 of 1,562,588 alleles (0.00013%); highest among the groups gnomAD compares: Non-Finnish European, 0.00017%; no homozygotes.

Submission:

Labcorp Genetics (formerly Invitae), Labcorp
Classification: Uncertain significance. Last evaluated: 2022-08-09. Review status: criteria provided, single submitter. Criteria: Invitae Variant Classification Sherloc (09022015). Collection method: clinical testing. Allele origin: germline.
Comment: This sequence change falls in intron 3 of the SLC9A1 gene. It does not directly change the encoded amino acid sequence of the SLC9A1 protein. It affects a nucleotide within the consensus splice site. This variant is not present in population databases (gnomAD no frequency). This variant has not been reported in the literature in individuals affected with SLC9A1-related conditions. Variants that disrupt the consensus splice site are a relatively common cause of aberrant splicing (PMID: 17576681, 9536098). Algorithms developed to predict the effect of sequence changes on RNA splicing suggest that this variant may disrupt the consensus splice site. In summary, the available evidence is currently insufficient to determine the role of this variant in disease. Therefore, it has been classified as a Variant of Uncertain Significance.

Literature cited by the submitters: PubMed 17576681; PubMed 9536098.

NM_003047.5(SLC9A1):c.1064+4A>G

Gene: SLC9A1 (solute carrier family 9 member A1; minus strand). Cytogenetic location: 1p36.11.
Variant type: single nucleotide variant.
Coding change: c.1064+4A>G on transcript NM_003047.5 (MANE Select); 4 bases into the intron after coding-DNA position 1064, A replaced by G.
Molecular consequence: intron variant.
Genome position (GRCh38, 1-based): chr1:27,109,523, T>C on the plus strand (A>G on the coding strand, the complement: SLC9A1 is on the minus strand). VCF-style: chr1-27109523-T-C. GRCh37 (hg19) VCF-style: chr1-27436014-T-C.
Identifiers: ClinVar variation 2023268 (VCV002023268.4), dbSNP rs2523135914, ClinGen allele CA2580062656.